The following is an entry in ClinVar:

ClinVar aggregate classification (germline): Uncertain significance. Review status: criteria provided, multiple submitters, no conflicts (2 of 4 stars). 2 submissions from 2 submitters: Uncertain significance (2). Last evaluated 2024-11-25.

Conditions:
Hyperkalemic periodic paralysis. Also called: Familial hyperkalemic periodic paralysis; Gamstorp disease. Identifiers: Orphanet 682, MedGen C0238357, MONDO:0008224, OMIM 170500, HP:0007215.

Allele frequency attached by ClinVar (database versions not stated): gnomAD exomes below 0.00001 and 0.00002; TOPMed below 0.00001; ExAC 0.00003.
gnomAD v4.1: 2 of 1,575,704 alleles (0.00013%); highest among the groups gnomAD compares: East Asian, 0.0023%; no homozygotes.

Submissions (2):

Labcorp Genetics (formerly Invitae), Labcorp
Classification: Uncertain significance for Hyperkalemic periodic paralysis. Last evaluated: 2024-11-25. Review status: criteria provided, single submitter. Criteria: Invitae Variant Classification Sherloc (09022015). Collection method: clinical testing. Allele origin: germline.
Comment: This sequence change replaces glycine, which is neutral and non-polar, with serine, which is neutral and polar, at codon 817 of the SCN4A protein (p.Gly817Ser). The frequency data for this variant in the population databases is considered unreliable, as metrics indicate poor data quality at this position in the gnomAD database. This variant has not been reported in the literature in individuals affected with SCN4A-related conditions. ClinVar contains an entry for this variant (Variation ID: 1425215). Invitae Evidence Modeling of protein sequence and biophysical properties (such as structural, functional, and spatial information, amino acid conservation, physicochemical variation, residue mobility, and thermodynamic stability) indicates that this missense variant is not expected to disrupt SCN4A protein function with a negative predictive value of 95%. In summary, the available evidence is currently insufficient to determine the role of this variant in disease. Therefore, it has been classified as a Variant of Uncertain Significance.

Revvity Omics, Revvity
Classification: Uncertain significance. Last evaluated: 2021-10-06. Review status: criteria provided, single submitter. Criteria: ACMG Guidelines, 2015. Collection method: clinical testing. Allele origin: germline.

NM_000334.4(SCN4A):c.2449G>A (p.Gly817Ser)

Genes: GH-LCR (growth hormone locus control region; plus strand), SCN4A (sodium voltage-gated channel alpha subunit 4; minus strand). Cytogenetic location: 17q23.3.
Variant type: single nucleotide variant.
Coding change: c.2449G>A on transcript NM_000334.4 (MANE Select); coding-DNA position 2449, G replaced by A.
Protein change: p.Gly817Ser; replaces glycine 817 with serine.
Molecular consequence: missense variant.
Genome position (GRCh38, 1-based): chr17:63,951,828, C>T on the plus strand (G>A on the coding strand, the complement: SCN4A is on the minus strand). VCF-style: chr17-63951828-C-T. GRCh37 (hg19) VCF-style: chr17-62029188-C-T.
Other names: short protein forms G817S.
Identifiers: ClinVar variation 1425215 (VCV001425215.9), dbSNP rs746797094, ClinGen allele CA8709579.